The following is an entry in ClinVar:

ClinVar aggregate classification (germline): Likely benign (1 of 4 stars; one submission).

gnomAD v4.1: 82 of 1,613,894 alleles (0.0051%); highest among the groups gnomAD compares: Non-Finnish European, 0.006%; no homozygotes.

Submission:

CeGaT Center for Human Genetics Tuebingen
Classification: Likely benign. Last evaluated: 2025-02-01. Review status: criteria provided, single submitter. Criteria: CeGaT Center For Human Genetics Tuebingen Variant Classification Criteria Version 2. Collection method: clinical testing. Allele origin: germline. Affected: yes. Observed: 2 variant alleles.
Comment: ANO1: BP4, BP7

NM_018043.7(ANO1):c.1860C>T (p.Thr620=)

Gene: ANO1 (anoctamin 1; plus strand). Cytogenetic location: 11q13.3.
Variant type: single nucleotide variant.
Coding change: c.1860C>T on transcript NM_018043.7 (MANE Select); coding-DNA position 1860, C replaced by T.
Protein change: p.Thr620=; no amino-acid change (threonine 620 retained).
Molecular consequence: synonymous variant. On other transcripts: non-coding transcript variant (1).
Genome position (GRCh38, 1-based): chr11:70,161,701, C>T. VCF-style: chr11-70161701-C-T. GRCh37 (hg19) VCF-style: chr11-70007807-C-T.
Other names: c.2049C>T, p.Thr683= (NM_001378092.1); c.1848C>T, p.Thr616= (NM_001378093.1, NM_001378094.2, NM_001378095.2); c.1770C>T, p.Thr590= (NM_001378096.2); c.1683C>T, p.Thr561= (NM_001378097.2).
Identifiers: ClinVar variation 3770820 (VCV003770820.13).